The following is an entry in ClinVar:

ClinVar aggregate classification (germline): Likely benign. Review status: criteria provided, multiple submitters, no conflicts (2 of 4 stars). 2 submissions from 2 submitters: Likely benign (2). Last evaluated 2026-07-01.

Conditions:
Kabuki syndrome. Also called: NIIKAWA-KUROKI SYNDROME; Kabuki make-up syndrome. Identifiers: Orphanet 2322, MedGen C0796004, MONDO:0016512.

Allele frequency attached by ClinVar (database versions not stated): ExAC 0.00001; gnomAD 0.00005.
gnomAD v4.1: 21 of 1,566,770 alleles (0.0013%); highest among the groups gnomAD compares: Admixed American, 0.031%; no homozygotes.

Submissions (2):

CeGaT Center for Human Genetics Tuebingen
Classification: Likely benign. Last evaluated: 2026-07-01. Review status: criteria provided, single submitter. Criteria: CeGaT Center For Human Genetics Tuebingen Variant Classification Criteria Version 2. Collection method: clinical testing. Allele origin: germline. Affected: yes. Observed: 1 variant allele.
Comment: KMT2D: BP4, BP7

Labcorp Genetics (formerly Invitae), Labcorp
Classification: Likely benign for Kabuki syndrome. Last evaluated: 2025-08-20. Review status: criteria provided, single submitter. Criteria: Invitae Variant Classification Sherloc (09022015). Collection method: clinical testing. Allele origin: germline.

NM_003482.4(KMT2D):c.2394C>T (p.Ser798=)

Gene: KMT2D (lysine methyltransferase 2D; minus strand). Cytogenetic location: 12q13.12.
Variant type: single nucleotide variant.
Coding change: c.2394C>T on transcript NM_003482.4 (MANE Select); coding-DNA position 2394, C replaced by T.
Protein change: p.Ser798=; no amino-acid change (serine 798 retained).
Molecular consequence: synonymous variant.
Genome position (GRCh38, 1-based): chr12:49,051,289, G>A on the plus strand (C>T on the coding strand, the complement: KMT2D is on the minus strand). VCF-style: chr12-49051289-G-A. GRCh37 (hg19) VCF-style: chr12-49445072-G-A.
Identifiers: ClinVar variation 2187749 (VCV002187749.5), dbSNP rs750431611, ClinGen allele CA6548265.